The following is an entry in ClinVar:

ClinVar aggregate classification (germline): Uncertain significance. Review status: criteria provided, multiple submitters, no conflicts (2 of 4 stars). 2 submissions from 2 submitters: Uncertain significance (2). Last evaluated 2024-10-22.

Allele frequency attached by ClinVar (database versions not stated): TOPMed 0.00004; ESP Exome Variant Server 0.00008.

Submissions (2):

Labcorp Genetics (formerly Invitae), Labcorp
Classification: Uncertain significance. Last evaluated: 2024-10-22. Review status: criteria provided, single submitter. Criteria: Invitae Variant Classification Sherloc (09022015). Collection method: clinical testing. Allele origin: germline.
Comment: This sequence change replaces proline, which is neutral and non-polar, with leucine, which is neutral and non-polar, at codon 164 of the POU4F3 protein (p.Pro164Leu). This variant is present in population databases (rs367737951, gnomAD 0.005%). This variant has not been reported in the literature in individuals affected with POU4F3-related conditions. ClinVar contains an entry for this variant (Variation ID: 164982). Invitae Evidence Modeling of protein sequence and biophysical properties (such as structural, functional, and spatial information, amino acid conservation, physicochemical variation, residue mobility, and thermodynamic stability) indicates that this missense variant is not expected to disrupt POU4F3 protein function with a negative predictive value of 80%. In summary, the available evidence is currently insufficient to determine the role of this variant in disease. Therefore, it has been classified as a Variant of Uncertain Significance.

Laboratory for Molecular Medicine, Mass General Brigham Personalized Medicine
Classification: Uncertain significance. Last evaluated: 2013-10-05. Review status: criteria provided, single submitter. Criteria: LMM Criteria. Collection method: clinical testing. Allele origin: germline. Observed: 1 variant allele.
Comment: The Pro164Leu variant in POU4F3 has not been reported in individuals with hearin g loss, but has been identified in 0.01% (1/8598) of European American chromosom es by the NHLBI Exome Sequencing Project (dbS NP rs367737951). Computational analyses (biochemical amino acid properties, cons ervation, AlignGVGD, PolyPhen2, and SIFT) do not provide strong support for or a gainst an impact to the protein. In summary, additional data is needed to determ ine the clinical significance of this variant.

NM_002700.3(POU4F3):c.491C>T (p.Pro164Leu)

Genes: POU4F3 (POU class 4 homeobox 3; plus strand), RBM27-POU4F3 (RBM27-POU4F3 readthrough; plus strand). Cytogenetic location: 5q32.
Variant type: single nucleotide variant.
Coding change: c.491C>T on transcript NM_002700.3 (MANE Select); coding-DNA position 491, C replaced by T.
Protein change: p.Pro164Leu; replaces proline 164 with leucine.
Molecular consequence: missense variant.
Genome position (GRCh38, 1-based): chr5:146,339,918, C>T. VCF-style: chr5-146339918-C-T. GRCh37 (hg19) VCF-style: chr5-145719481-C-T.
Other names: short protein forms P164L.
Identifiers: ClinVar variation 164982 (VCV000164982.13), dbSNP rs367737951, ClinGen allele CA177657.